The following is an entry in ClinVar:

ClinVar aggregate classification (germline): Likely benign (0 of 4 stars; one submission).

Conditions:
MUC16-related disorder. Also called: MUC16-related condition.

Allele frequency attached by ClinVar (database versions not stated): ExAC 0.00017; TOPMed 0.00018; gnomAD 0.00020; ESP Exome Variant Server 0.00024; gnomAD exomes 0.00046.

Submission:

PreventionGenetics, part of Exact Sciences
Classification: Likely benign for MUC16-related condition. Last evaluated: 2019-10-28. Review status: no assertion criteria provided. Collection method: clinical testing. Allele origin: germline.
Comment: This variant is classified as likely benign based on ACMG/AMP sequence variant interpretation guidelines (Richards et al. 2015 PMID: 25741868, with internal and published modifications).

NM_001401501.2(MUC16):c.12210A>G (p.Thr4070=)

Gene: MUC16 (mucin 16, cell surface associated; minus strand). Cytogenetic location: 19p13.2.
Variant type: single nucleotide variant.
Coding change: c.12210A>G on transcript NM_001401501.2 (MANE Select); coding-DNA position 12210, A replaced by G.
Protein change: p.Thr4070=; no amino-acid change (threonine 4070 retained).
Molecular consequence: synonymous variant.
Genome position (GRCh38, 1-based): chr19:8,964,680, T>C on the plus strand (A>G on the coding strand, the complement: MUC16 is on the minus strand). VCF-style: chr19-8964680-T-C. GRCh37 (hg19) VCF-style: chr19-9075356-T-C.
Other names: c.12636A>G, p.Thr4212= (NM_001414686.1); c.12090A>G, p.Thr4030= (NM_001414687.1, NM_024690.2).
Identifiers: ClinVar variation 3046280 (VCV003046280.2), dbSNP rs371602932, ClinGen allele CA9171101.